The following is an entry in ClinVar:

ClinVar aggregate classification (germline): Pathogenic (1 of 4 stars; one submission).

Conditions:
Gorlin syndrome. Also called: Basal cell nevus syndrome; Nevoid Basal Cell Carcinoma Syndrome. Identifiers: Orphanet 377, MedGen C0004779, MONDO:0007187.

Submission:

Labcorp Genetics (formerly Invitae), Labcorp
Classification: Pathogenic for Gorlin syndrome. Last evaluated: 2023-03-14. Review status: criteria provided, single submitter. Criteria: Invitae Variant Classification Sherloc (09022015). Collection method: clinical testing. Allele origin: germline.
Comment: This variant is also known as c.2068C>T. For these reasons, this variant has been classified as Pathogenic. ClinVar contains an entry for this variant (Variation ID: 952877). This premature translational stop signal has been observed in individual(s) with basal cell nevus syndrome (PMID: 8981943). This variant is not present in population databases (gnomAD no frequency). This sequence change creates a premature translational stop signal (p.Gln694*) in the PTCH1 gene. It is expected to result in an absent or disrupted protein product. Loss-of-function variants in PTCH1 are known to be pathogenic (PMID: 16301862, 16419085).

Literature cited by the submitters: PubMed 8981943; PubMed 16301862; PubMed 16419085.

NM_000264.5(PTCH1):c.2080C>T (p.Gln694Ter)

Genes: PTCH1 (patched 1; minus strand), LOC100507346 (uncharacterized LOC100507346; plus strand). Cytogenetic location: 9q22.32.
Variant type: single nucleotide variant.
Coding change: c.2080C>T on transcript NM_000264.5 (MANE Select); coding-DNA position 2080, C replaced by T.
Protein change: p.Gln694Ter; replaces glutamine 694 with a stop codon.
Molecular consequence: nonsense. On other transcripts: non-coding transcript variant (2).
Genome position (GRCh38, 1-based): chr9:95,468,921, G>A on the plus strand (C>T on the coding strand, the complement: PTCH1 is on the minus strand). VCF-style: chr9-95468921-G-A. GRCh37 (hg19) VCF-style: chr9-98231203-G-A.
Other names: c.1882C>T, p.Gln628Ter (NM_001083602.3); c.2077C>T, p.Gln693Ter (NM_001083603.3); c.1627C>T, p.Gln543Ter (NM_001083604.3, NM_001083605.3, NM_001083606.3 and 1 more transcripts); c.1924C>T, p.Gln642Ter (NM_001354918.2); short protein forms Q693*, Q642*, Q543*, Q628*, Q694*.
Identifiers: ClinVar variation 952877 (VCV000952877.10), dbSNP rs1840292996, ClinGen allele CA374115703.